The following is an entry in ClinVar:

NM_018100.4(EFHC1):c.1768G>C (p.Ala590Pro)

Gene: EFHC1 (EF-hand domain containing 1; plus strand). Cytogenetic location: 6p12.2.
Variant type: single nucleotide variant.
Coding change: c.1768G>C on transcript NM_018100.4 (MANE Select); coding-DNA position 1768, G replaced by C.
Protein change: p.Ala590Pro; replaces alanine 590 with proline.
Molecular consequence: missense variant. On other transcripts: non-coding transcript variant (1).
Genome position (GRCh38, 1-based): chr6:52,490,267, G>C. VCF-style: chr6-52490267-G-C. GRCh37 (hg19) VCF-style: chr6-52355065-G-C.
Other names: c.1711G>C, p.Ala571Pro (NM_001172420.2); short protein forms A590P, A571P.
Identifiers: ClinVar variation 580955 (VCV000580955.11), dbSNP rs749376467, ClinGen allele CA3856173.

ClinVar aggregate classification (germline): Uncertain significance. Review status: criteria provided, multiple submitters, no conflicts (2 of 4 stars). 2 submissions from 2 submitters: Uncertain significance (2). Last evaluated 2021-10-07.

Conditions:
Absence seizure. Also called: Absence epilepsy. Identifiers: Orphanet 1941, MedGen C0014553.
Myoclonic epilepsy, juvenile, susceptibility to, 1. Also called: Myoclonic Epilepsy, Juvenile, 1; EJM1. Identifiers: MedGen C1850778, MONDO:0020752, OMIM 254770.

Allele frequency attached by ClinVar (database versions not stated): ExAC 0.00002; gnomAD exomes 0.00006; TOPMed 0.00006; gnomAD 0.00008 and 0.00009.
gnomAD v4.1: 103 of 1,614,060 alleles (0.0064%); highest among the groups gnomAD compares: Non-Finnish European, 0.0086%; no homozygotes.

Submissions (2):

Fulgent Genetics
Classification: Uncertain significance for Myoclonic epilepsy, juvenile, susceptibility to, 1; Epilepsy, juvenile absence, susceptibility to, 1. Last evaluated: 2021-10-07. Review status: criteria provided, single submitter. Criteria: ACMG Guidelines, 2015. Collection method: clinical testing. Allele origin: unknown.

Labcorp Genetics (formerly Invitae), Labcorp
Classification: Uncertain significance for Myoclonic epilepsy, juvenile, susceptibility to, 1; Absence seizure. Last evaluated: 2018-04-04. Review status: criteria provided, single submitter. Criteria: Invitae Variant Classification Sherloc (09022015). Collection method: clinical testing. Allele origin: germline.
Comment: Algorithms developed to predict the effect of missense changes on protein structure and function (SIFT, PolyPhen-2, Align-GVGD) all suggest that this variant is likely to be tolerated, but these predictions have not been confirmed by published functional studies and their clinical significance is uncertain. In summary, the available evidence is currently insufficient to determine the role of this variant in disease. Therefore, it has been classified as a Variant of Uncertain Significance. This variant has not been reported in the literature in individuals with EFHC1-related disease. This variant is present in population databases (rs749376467, ExAC 0.003%). This sequence change replaces alanine with proline at codon 590 of the EFHC1 protein (p.Ala590Pro). The alanine residue is weakly conserved and there is a small physicochemical difference between alanine and proline.